The following is an entry in ClinVar:

ClinVar aggregate classification (germline): Uncertain significance. Review status: criteria provided, single submitter (1 of 4 stars). 2 submissions from 2 submitters: Uncertain significance (1). 1 of the submissions does not count toward it. Last evaluated 2024-09-30.

Conditions:
Dystrophin deficiency.
Duchenne muscular dystrophy (DMD). Also called: MUSCULAR DYSTROPHY, PSEUDOHYPERTROPHIC PROGRESSIVE, DUCHENNE TYPE; Duchenne Muscular Dystrophy (DMD). Identifiers: Orphanet 98896, MedGen C0013264, MONDO:0010679, OMIM 310200.

Submissions (2):

Labcorp Genetics (formerly Invitae), Labcorp
Classification: Uncertain significance for Duchenne muscular dystrophy. Last evaluated: 2024-09-30. Review status: criteria provided, single submitter. Criteria: Invitae Variant Classification Sherloc (09022015). Collection method: clinical testing. Allele origin: germline.
Comment: This sequence change falls in intron 30 of the DMD gene. It does not directly change the encoded amino acid sequence of the DMD protein. It affects a nucleotide within the consensus splice site. This variant is not present in population databases (gnomAD no frequency). This variant has not been reported in the literature in individuals affected with DMD-related conditions. ClinVar contains an entry for this variant (Variation ID: 409884). Variants that disrupt the consensus splice site are a relatively common cause of aberrant splicing (PMID: 17576681, 9536098). Algorithms developed to predict the effect of sequence changes on RNA splicing suggest that this variant is not likely to affect RNA splicing. In summary, the available evidence is currently insufficient to determine the role of this variant in disease. Therefore, it has been classified as a Variant of Uncertain Significance.

Natera, Inc.
Classification: Uncertain significance for Dystrophin deficiency. Last evaluated: 2020-09-16. Review status: no assertion criteria provided. Collection method: clinical testing. Allele origin: germline. Not counted in ClinVar's aggregate classification.

Literature cited by the submitters: PubMed 17576681 (cited by Labcorp Genetics (formerly Invitae), Labcorp); PubMed 9536098 (cited by Labcorp Genetics (formerly Invitae), Labcorp).

NM_004006.3(DMD):c.4233+4A>C

Gene: DMD (dystrophin; minus strand). Cytogenetic location: Xp21.1.
Variant type: single nucleotide variant.
Coding change: c.4233+4A>C on transcript NM_004006.3 (MANE Select); 4 bases into the intron after coding-DNA position 4233, A replaced by C.
Molecular consequence: intron variant.
Genome position (GRCh38, 1-based): chrX:32,411,748, T>G on the plus strand (A>C on the coding strand, the complement: DMD is on the minus strand). VCF-style: chrX-32411748-T-G. GRCh37 (hg19) VCF-style: chrX-32429865-T-G.
Other names: c.4209+4A>C (NM_000109.4); c.210+4A>C (NM_004011.4); c.201+4A>C (NM_004012.4); c.4221+4A>C (NM_004009.3); c.3864+4A>C (NM_004010.3).
Identifiers: ClinVar variation 409884 (VCV000409884.8), dbSNP rs1060502617, ClinGen allele CA16616675.